The following is an entry in ClinVar:

NM_018368.4(LMBRD1):c.1509+22G>A

Gene: LMBRD1 (LMBR1 domain containing 1; minus strand). Cytogenetic location: 6q13.
Variant type: single nucleotide variant.
Coding change: c.1509+22G>A on transcript NM_018368.4 (MANE Select); 22 bases into the intron after coding-DNA position 1509, G replaced by A.
Molecular consequence: intron variant.
Genome position (GRCh38, 1-based): chr6:69,676,428, C>T on the plus strand (G>A on the coding strand, the complement: LMBRD1 is on the minus strand). VCF-style: chr6-69676428-C-T. GRCh37 (hg19) VCF-style: chr6-70386320-C-T.
Other names: p.?; c.1290+22G>A (NM_001367272.1, NM_001367271.1, NM_001363722.2).
Identifiers: ClinVar variation 261024 (VCV000261024.6), dbSNP rs3214021, ClinGen allele CA3879533.

ClinVar aggregate classification (germline): Benign/Likely benign. Review status: criteria provided, multiple submitters, no conflicts (2 of 4 stars). 5 submissions from 5 submitters: Benign (3); Likely benign (2). Last evaluated 2022-03-03.

Conditions:
Methylmalonic aciduria and homocystinuria type cblF. Also called: COBALAMIN F DISEASE; COBALAMIN, DEFECT IN LYSOSOMAL RELEASE OF; METHYLMALONIC ACIDEMIA AND HOMOCYSTINURIA, cblF TYPE; METHYLMALONIC ACIDURIA DUE TO VITAMIN B12-RELEASE DEFECT; VITAMIN B12 LYSOSOMAL RELEASE DEFECT; VITAMIN B12 STORAGE DISEASE. Identifiers: Orphanet 79284, MedGen C1848578, MONDO:0010183, OMIM 277380.

Allele frequency attached by ClinVar (database versions not stated): TOPMed 0.35805; 1000 Genomes Project 30x 0.39975; gnomAD exomes 0.40238 and 0.40344; 1000 Genomes Project 0.40915; gnomAD 0.35441 and 0.36188; ESP Exome Variant Server 0.34646; ExAC 0.40489.
gnomAD v4.1: 637,721 of 1,599,476 alleles (40%); highest among the groups gnomAD compares: East Asian, 54%; 129,440 homozygotes.

Submissions (5):

Mayo Clinic Laboratories, Mayo Clinic
Classification: Benign. Last evaluated: 2022-03-03. Review status: criteria provided, single submitter. Criteria: ACMG Guidelines, 2015. Collection method: clinical testing. Allele origin: germline. Observed: 64 variant alleles.

Genome-Nilou Lab
Classification: Benign for Methylmalonic aciduria and homocystinuria type cblF. Last evaluated: 2021-08-19. Review status: criteria provided, single submitter. Criteria: ACMG Guidelines, 2015. Collection method: clinical testing. Allele origin: germline. Affected: no.

GeneDx
Classification: Benign. Last evaluated: 2016-03-10. Review status: criteria provided, single submitter. Criteria: GeneDx Variant Classification (06012015). Collection method: clinical testing. Allele origin: germline. Affected: yes.
Comment: This variant is considered likely benign or benign based on one or more of the following criteria: it is a conservative change, it occurs at a poorly conserved position in the protein, it is predicted to be benign by multiple in silico algorithms, and/or has population frequency not consistent with disease.

Breakthrough Genomics
Classification: Likely benign. Review status: criteria provided, single submitter. Criteria: ACMG Guidelines, 2015. Collection method: not provided. Allele origin: germline. Inheritance: Autosomal recessive inheritance. Affected: yes.

PreventionGenetics, part of Exact Sciences
Classification: Likely benign. Review status: criteria provided, single submitter. Criteria: ACMG Guidelines, 2015. Collection method: clinical testing. Allele origin: germline.